The following is an entry in ClinVar:

NM_004304.5(ALK):c.1933C>G (p.Leu645Val)

Gene: ALK (ALK receptor tyrosine kinase; minus strand). Cytogenetic location: 2p23.2.
Variant type: single nucleotide variant.
Coding change: c.1933C>G on transcript NM_004304.5 (MANE Select); coding-DNA position 1933, C replaced by G.
Protein change: p.Leu645Val; replaces leucine 645 with valine.
Molecular consequence: missense variant.
Genome position (GRCh38, 1-based): chr2:29,275,207, G>C on the plus strand (C>G on the coding strand, the complement: ALK is on the minus strand). VCF-style: chr2-29275207-G-C. GRCh37 (hg19) VCF-style: chr2-29498073-G-C.
Other names: short protein forms L645V.
Identifiers: ClinVar variation 4728142 (VCV004728142.1).

ClinVar aggregate classification (germline): Uncertain significance (1 of 4 stars; one submission).

Conditions:
Neuroblastoma, susceptibility to, 3. Also called: ALK-Related Neuroblastic Tumor Susceptibility. Identifiers: Orphanet 635, MedGen C2751681, MONDO:0013083, OMIM 613014.

gnomAD v4.1: 6 of 1,614,136 alleles (0.00037%); highest among the groups gnomAD compares: Non-Finnish European, 0.00051%; no homozygotes.

Submission:

Labcorp Genetics (formerly Invitae), Labcorp
Classification: Uncertain significance for Neuroblastoma, susceptibility to, 3. Last evaluated: 2025-09-30. Review status: criteria provided, single submitter. Criteria: Invitae Variant Classification Sherloc (09022015). Collection method: clinical testing. Allele origin: germline.
Comment: This sequence change replaces leucine, which is neutral and non-polar, with valine, which is neutral and non-polar, at codon 645 of the ALK protein (p.Leu645Val). This variant is present in population databases (rs770797778, gnomAD 0.0009%). This variant has not been reported in the literature in individuals affected with ALK-related conditions. An algorithm developed to predict the effect of missense changes on protein structure and function (PolyPhen-2) suggests that this variant is likely to be tolerated. In summary, the available evidence is currently insufficient to determine the role of this variant in disease. Therefore, it has been classified as a Variant of Uncertain Significance.